The following is an entry in ClinVar:

ClinVar aggregate classification (germline): Conflicting classifications of pathogenicity. Review status: criteria provided, conflicting classifications (1 of 4 stars). 5 submissions from 5 submitters: Uncertain significance (3); Likely benign (2). Last evaluated 2025-01-06.

Submissions (5):

Labcorp Genetics (formerly Invitae), Labcorp
Classification: Uncertain significance. Last evaluated: 2025-01-06. Review status: criteria provided, single submitter. Criteria: Invitae Variant Classification Sherloc (09022015). Collection method: clinical testing. Allele origin: germline.
Comment: This variant, c.4320_4328dup, results in the insertion of 3 amino acid(s) of the PCDH15 protein (p.Pro1441_Pro1443dup), but otherwise preserves the integrity of the reading frame. This variant is present in population databases (rs776051221, gnomAD 0.01%). This variant has been observed in individual(s) with deafness (PMID: 26166082). ClinVar contains an entry for this variant (Variation ID: 281621). Experimental studies and prediction algorithms are not available or were not evaluated, and the functional significance of this variant is currently unknown. In summary, the available evidence is currently insufficient to determine the role of this variant in disease. Therefore, it has been classified as a Variant of Uncertain Significance.

Blueprint Genetics
Classification: Likely benign. Last evaluated: 2024-04-09. Review status: criteria provided, single submitter. Criteria: ACMG Guidelines, 2015. Collection method: clinical testing. Allele origin: germline.

Laboratorio de Genetica e Diagnostico Molecular, Hospital Israelita Albert Einstein
Classification: Uncertain significance. Last evaluated: 2021-06-29. Review status: criteria provided, single submitter. Criteria: ACMG Guidelines, 2015. Collection method: clinical testing. Allele origin: germline. Affected: yes.
Comment: ACMG classification criteria: PM4

GeneDx
Classification: Likely benign. Last evaluated: 2020-12-24. Review status: criteria provided, single submitter. Criteria: GeneDx Variant Classification Process June 2021. Collection method: clinical testing. Allele origin: germline. Affected: yes.
Comment: This variant is associated with the following publications: (PMID: 26166082)

Eurofins Ntd Llc (ga)
Classification: Uncertain significance. Last evaluated: 2015-07-09. Review status: criteria provided, single submitter. Criteria: EGL Classification Definitions. Collection method: clinical testing. Allele origin: germline.

Literature cited by the submitters: PubMed 26166082 (cited by Labcorp Genetics (formerly Invitae), Labcorp).

NM_001384140.1(PCDH15):c.4320_4328dup (p.Pro1443_Gly1444insProProPro)

Gene: PCDH15 (protocadherin related 15; minus strand). Cytogenetic location: 10q21.1.
Variant type: Duplication.
Coding change: c.4320_4328dup on transcript NM_001384140.1 (MANE Select); coding-DNA positions 4320 to 4328, 9 bases duplicated (GCCTCCGCC; older notation c.4320_4328dupGCCTCCGCC).
Protein change: p.Pro1443_Gly1444insProProPro.
Molecular consequence: inframe insertion. On other transcripts: inframe indel (1).
Genome position (GRCh38, 1-based): chr10:53,827,432-53,827,440, GGCGGAGGC duplicated on the plus strand (GCCTCCGCC on the coding strand, the reverse complement: PCDH15 is on the minus strand); duplicating any 9 consecutive bases within chr10:53,827,432-53,827,445 gives the same sequence; the c. name uses the placement nearest the transcript's 3' end. VCF-style (leftmost placement, unchanged base first): chr10-53827431-T-TGGCGGAGGC. GRCh37 (hg19) VCF-style: chr10-55587191-T-TGGCGGAGGC.
Other names: c.4320_4328dupGCCTCCGCC (NM_033056.3); c.4335_4343dup, p.Pro1448_Gly1449insProProPro (NM_001142763.2, NM_001142771.2); c.4320_4328dup, p.Pro1443_Gly1444insProProPro (NM_001142764.2, NM_001142770.3, NM_001142772.2 and 3 more transcripts); c.4107_4115dup, p.Pro1372_Gly1373insProProPro (NM_001142765.2); c.4311_4319dup, p.Pro1440_Gly1441insProProPro (NM_001142766.2); c.4200_4208dup, p.Pro1403_Gly1404insProProPro (NM_001142767.2); c.4254_4262dup, p.Pro1421_Gly1422insProProPro (NM_001142768.2, NM_001354404.2); c.4351_4359dup, p.Pro1455_Gly1456insProProPro (NM_001142769.4); and 3 more.
Identifiers: ClinVar variation 281621 (VCV000281621.15), dbSNP rs776051221, ClinGen allele CA5505360.